The following is an entry in ClinVar:

ClinVar aggregate classification (germline): Uncertain significance (1 of 4 stars; one submission).

Conditions:
Hereditary cancer-predisposing syndrome. Also called: Neoplastic Syndromes, Hereditary; Tumor predisposition; Hereditary Cancer Syndrome; Hereditary neoplastic syndrome. Identifiers: Orphanet 140162, MedGen C0027672, MeSH D009386, MONDO:0015356.

Submission:

Labcorp Genetics (formerly Invitae), Labcorp
Classification: Uncertain significance for Hereditary cancer-predisposing syndrome. Last evaluated: 2020-09-02. Review status: criteria provided, single submitter. Criteria: Invitae Variant Classification Sherloc (09022015). Collection method: clinical testing. Allele origin: germline.
Comment: In summary, the available evidence is currently insufficient to determine the role of this variant in disease. Therefore, it has been classified as a Variant of Uncertain Significance. Algorithms developed to predict the effect of missense changes on protein structure and function are either unavailable or do not agree on the potential impact of this missense change (SIFT: "Deleterious"; PolyPhen-2: "Probably Damaging"; Align-GVGD: "Class C0"). This variant has not been reported in the literature in individuals with RAD50-related conditions. This variant is not present in population databases (ExAC no frequency). This sequence change replaces leucine with proline at codon 1249 of the RAD50 protein (p.Leu1249Pro). The leucine residue is highly conserved and there is a moderate physicochemical difference between leucine and proline.

NM_005732.4(RAD50):c.3746T>C (p.Leu1249Pro)

Genes: RAD50 (RAD50 double strand break repair protein; plus strand), TH2-LCR (Th2 cytokine locus control region; plus strand), TH2LCRR (T helper type 2 locus control region associated RNA; minus strand). Cytogenetic location: 5q31.1.
Variant type: single nucleotide variant.
Coding change: c.3746T>C on transcript NM_005732.4 (MANE Select); coding-DNA position 3746, T replaced by C.
Protein change: p.Leu1249Pro; replaces leucine 1249 with proline.
Molecular consequence: missense variant.
Genome position (GRCh38, 1-based): chr5:132,640,799, T>C. VCF-style: chr5-132640799-T-C. GRCh37 (hg19) VCF-style: chr5-131976491-T-C.
Other names: short protein forms L1249P.
Identifiers: ClinVar variation 1025228 (VCV001025228.9), dbSNP rs1751703893, ClinGen allele CA360935040.